The following is an entry in ClinVar:

ClinVar aggregate classification (germline): Likely pathogenic. Review status: reviewed by expert panel (3 of 4 stars). 2 submissions from 2 submitters: Likely pathogenic (1). 1 of the submissions does not count toward it. Last evaluated 2026-10-14.

Conditions:
Anauxetic dysplasia. Identifiers: Orphanet 93347, MedGen C1846796, MONDO:0011773.
Metaphyseal chondrodysplasia, McKusick type (CHH). Also called: Cartilage-hair hypoplasia; Cartilage-Hair Hypoplasia (CHH). Identifiers: Orphanet 175, MedGen C0220748, MONDO:0009595, OMIM 250250.

gnomAD v4.1: 3 of 699,752 alleles (0.00043%); highest among the groups gnomAD compares: Non-Finnish European, 0.00078%; no homozygotes.

Submissions (2):

ClinGen Severe Combined Immunodeficiency Variant Curation Expert Panel, ClinGen
Classification: Likely pathogenic for Metaphyseal chondrodysplasia, McKusick type. Last evaluated: 2026-10-14. Review status: reviewed by expert panel. Criteria: ClinGen SCID ACMG Specifications RMRP V1.3. Collection method: curation. Allele origin: germline. Inheritance: Autosomal recessive inheritance.
Comment: The variant NC_000009.12:g.35657796G>A in RMRP is also known as NR_003051.4:n.224C>T or NR_003051.3:n.223C>T. At least one patient with this variant displayed SCID and metaphyseal dysplasia, which is highly specific for autosomal recessive cartilage-hair hypoplasia (PP4_Moderate; SCV001483661.4). That individual was confirmed in trans by parental/family testing (PM3; NC_000009.12:g.35658023_35658039dup, ClinVar Variation ID: 14214). The variant has been reported to segregate with autosomal recessive cartilage-hair hypoplasia in two affected family members from one family (PP1; SCV001483661.4). The Total GrpMax filtering allele frequency in gnomAD v4.1.1 is 0.000002080 from the European (non-Finnish) genetic ancestry group (the lower threshold of the 95% CI of 3/384350 alleles), which is lower than the ClinGen SCID VCEP threshold (<0.0.0000447) for PM2_Supporting, and therefore meets this criterion (PM2_Supporting). In summary, this variant meets the criteria to be classified as Likely Pathogenic for autosomal recessive cartilage-hair hypoplasia based on the ACMG/AMP criteria applied, as specified by the ClinGen SCID VCEP: PP4_Moderate, PM3, PP1, PM2_Supporting. (RMRP specifications version 1.3.0)

Labcorp Genetics (formerly Invitae), Labcorp
Classification: Likely pathogenic for Anauxetic dysplasia. Last evaluated: 2024-11-04. Review status: criteria provided, single submitter. Criteria: Invitae Variant Classification Sherloc (09022015). Collection method: clinical testing. Allele origin: germline. Not counted in ClinVar's aggregate classification.
Comment: This variant occurs in the RMRP gene, which encodes an RNA molecule that does not result in a protein product. This variant is not present in population databases (gnomAD no frequency). This variant has been observed in individual(s) with RMRP-related conditions (internal data). In at least one individual the data is consistent with being in trans (on the opposite chromosome) from a pathogenic variant. It has also been observed to segregate with disease in related individuals. ClinVar contains an entry for this variant (Variation ID: 998851). In summary, the currently available evidence indicates that the variant is pathogenic, but additional data are needed to prove that conclusively. Therefore, this variant has been classified as Likely Pathogenic.

NC_000009.12:g.35657796G>A

Gene: RMRP (RNA component of mitochondrial RNA processing endoribonuclease; minus strand). Cytogenetic location: 9p13.3.
Variant type: single nucleotide variant.
Genome position: GRCh38 VCF-style: chr9-35657796-G-A. GRCh37 (hg19) VCF-style: chr9-35657793-G-A.
Identifiers: ClinVar variation 998851 (VCV000998851.5), dbSNP rs1364719732, ClinGen allele CA464450438.